The following is an entry in ClinVar:

ClinVar aggregate classification (germline): Uncertain significance (1 of 4 stars; one submission).

Conditions:
Mucopolysaccharidosis, MPS-III-C (MPS3C). Also called: SANFILIPPO SYNDROME C; MPS III C; MPS IIIC (Sanfilippo Syndrome Type C); MUCOPOLYSACCHARIDOSIS, TYPE IIIC; Mucopolysaccharidosis type IIIC (Sanfilippo C); mucopolysaccharidosis type 3C. Identifiers: Orphanet 581, Orphanet 79271, MedGen C0086649, MONDO:0009657, OMIM 252930.
Retinitis pigmentosa 73 (RP73). Identifiers: Orphanet 791, MedGen C4225287, MONDO:0014687, OMIM 616544.

Allele frequency attached by ClinVar (database versions not stated): gnomAD exomes below 0.00001.
gnomAD v4.1: 2 of 1,527,812 alleles (0.00013%); highest among the groups gnomAD compares: Non-Finnish European, 0.00018%; no homozygotes.

Submission:

Labcorp Genetics (formerly Invitae), Labcorp
Classification: Uncertain significance for Retinitis pigmentosa 73; Mucopolysaccharidosis, MPS-III-C. Last evaluated: 2022-09-06. Review status: criteria provided, single submitter. Criteria: Invitae Variant Classification Sherloc (09022015). Collection method: clinical testing. Allele origin: germline.
Comment: In summary, the available evidence is currently insufficient to determine the role of this variant in disease. Therefore, it has been classified as a Variant of Uncertain Significance. This sequence change replaces glycine, which is neutral and non-polar, with cysteine, which is neutral and slightly polar, at codon 336 of the HGSNAT protein (p.Gly336Cys). This variant is not present in population databases (gnomAD no frequency). This variant has not been reported in the literature in individuals affected with HGSNAT-related conditions. ClinVar contains an entry for this variant (Variation ID: 1414020). Advanced modeling of protein sequence and biophysical properties (such as structural, functional, and spatial information, amino acid conservation, physicochemical variation, residue mobility, and thermodynamic stability) performed at Invitae indicates that this missense variant is expected to disrupt HGSNAT protein function.

NM_152419.3(HGSNAT):c.1006G>T (p.Gly336Cys)

Gene: HGSNAT (heparan-alpha-glucosaminide N-acetyltransferase; plus strand). Cytogenetic location: 8p11.21.
Variant type: single nucleotide variant.
Coding change: c.1006G>T on transcript NM_152419.3 (MANE Select); coding-DNA position 1006, G replaced by T.
Protein change: p.Gly336Cys; replaces glycine 336 with cysteine.
Molecular consequence: missense variant. On other transcripts: intron variant (1).
Genome position (GRCh38, 1-based): chr8:43,178,228, G>T. VCF-style: chr8-43178228-G-T. GRCh37 (hg19) VCF-style: chr8-43033371-G-T.
Other names: c.1006G>T, p.Gly336Cys (NM_001363227.2); c.142G>T, p.Gly48Cys (NM_001363229.2); c.821-3917G>T (NM_001363228.2); short protein forms G336C, G48C.
Identifiers: ClinVar variation 1414020 (VCV001414020.8), dbSNP rs2130766732, ClinGen allele CA371117502.